The following is an entry in ClinVar:

NM_004082.5(DCTN1):c.718G>A (p.Glu240Lys)

Gene: DCTN1 (dynactin subunit 1; minus strand). Cytogenetic location: 2p13.1.
Variant type: single nucleotide variant.
Coding change: c.718G>A on transcript NM_004082.5 (MANE Select); coding-DNA position 718, G replaced by A.
Protein change: p.Glu240Lys; replaces glutamic acid 240 with lysine.
Molecular consequence: missense variant. On other transcripts: non-coding transcript variant (1).
Genome position (GRCh38, 1-based): chr2:74,371,104, C>T on the plus strand (G>A on the coding strand, the complement: DCTN1 is on the minus strand). VCF-style: chr2-74371104-C-T. GRCh37 (hg19) VCF-style: chr2-74598231-C-T.
Other names: c.607G>A, p.Glu203Lys (NM_001190836.2); c.697G>A, p.Glu233Lys (NM_001190837.2); c.667G>A, p.Glu223Lys (NM_001378991.1); c.649G>A, p.Glu217Lys (NM_001378992.1); c.316G>A, p.Glu106Lys (NM_023019.4, NM_001135041.3); c.658G>A, p.Glu220Lys (NM_001135040.3); short protein forms E106K, E203K, E217K, E220K, E223K, E233K, E240K.
Identifiers: ClinVar variation 5037024 (VCV005037024.1).

ClinVar aggregate classification (germline): Uncertain significance (1 of 4 stars; one submission).

Submission:

GeneDx
Classification: Uncertain significance. Last evaluated: 2026-04-16. Review status: criteria provided, single submitter. Criteria: GeneDx Variant Classification Process June 2021. Collection method: clinical testing. Allele origin: germline.
Comment: Not observed at significant frequency in large population cohorts (gnomAD); In silico analysis supports that this missense variant has a deleterious effect on protein structure/function; Has not been previously published as pathogenic or benign to our knowledge